The following is an entry in ClinVar:

NM_000179.3(MSH6):c.3108G>A (p.Leu1036=)

Gene: MSH6 (mutS homolog 6; plus strand). Cytogenetic location: 2p16.3.
Variant type: single nucleotide variant.
Coding change: c.3108G>A on transcript NM_000179.3 (MANE Select); coding-DNA position 3108, G replaced by A.
Protein change: p.Leu1036=; no amino-acid change (leucine 1036 retained).
Molecular consequence: synonymous variant.
Genome position (GRCh38, 1-based): chr2:47,801,091, G>A. VCF-style: chr2-47801091-G-A. GRCh37 (hg19) VCF-style: chr2-48028230-G-A.
Other names: c.2718G>A, p.Leu906= (NM_001281492.2); c.2202G>A, p.Leu734= (NM_001281493.2, NM_001281494.2).
Identifiers: ClinVar variation 455231 (VCV000455231.12), dbSNP rs1399581663, ClinGen allele CA426121979.

ClinVar aggregate classification (germline): Benign/Likely benign. Review status: criteria provided, multiple submitters, no conflicts (2 of 4 stars). 3 submissions from 3 submitters: Benign (1); Likely benign (2). Last evaluated 2025-01-03.

Conditions:
Hereditary nonpolyposis colorectal neoplasms. Identifiers: MedGen C0009405, MeSH D003123.
Hereditary cancer-predisposing syndrome. Also called: Hereditary Cancer Syndrome; Hereditary neoplastic syndrome; Neoplastic Syndromes, Hereditary; Tumor predisposition. Identifiers: Orphanet 140162, MedGen C0027672, MeSH D009386, MONDO:0015356.
Lynch syndrome 5 (LYNCH5). Also called: Hereditary non-polyposis colorectal cancer, type 5; Colorectal cancer, hereditary nonpolyposis, type 5. Identifiers: Orphanet 144, MedGen C1833477, MONDO:0013710, OMIM 614350. Disease mechanism: loss of function.

Submissions (3):

Myriad Genetics, Inc.
Classification: Benign for Lynch syndrome 5. Last evaluated: 2025-01-03. Review status: criteria provided, single submitter. Criteria: Myriad Autosomal Dominant, Autosomal Recessive and X-Linked Classification Criteria (2023). Collection method: clinical testing. Allele origin: unknown.
Comment: This variant is considered benign. This variant is a silent/synonymous amino acid change and it is not expected to impact splicing.

Ambry Genetics
Classification: Likely benign for Hereditary cancer-predisposing syndrome. Last evaluated: 2023-05-11. Review status: criteria provided, single submitter. Criteria: Ambry Variant Classification Scheme 2023. Collection method: clinical testing. Allele origin: germline.

Labcorp Genetics (formerly Invitae), Labcorp
Classification: Likely benign for Hereditary nonpolyposis colorectal neoplasms. Last evaluated: 2022-03-11. Review status: criteria provided, single submitter. Criteria: Invitae Variant Classification Sherloc (09022015). Collection method: clinical testing. Allele origin: germline.